The following is an entry in ClinVar:

NM_015338.6(ASXL1):c.556T>G (p.Ser186Ala)

Gene: ASXL1 (ASXL transcriptional regulator 1; plus strand). Cytogenetic location: 20q11.21.
Variant type: single nucleotide variant.
Coding change: c.556T>G on transcript NM_015338.6 (MANE Select); coding-DNA position 556, T replaced by G.
Protein change: p.Ser186Ala; replaces serine 186 with alanine.
Molecular consequence: missense variant.
Genome position (GRCh38, 1-based): chr20:32,429,422, T>G. VCF-style: chr20-32429422-T-G. GRCh37 (hg19) VCF-style: chr20-31017225-T-G.
Other names: c.526T>G, p.Ser176Ala (NM_001363734.1); short protein forms S186A, S176A.
Identifiers: ClinVar variation 4158681 (VCV004158681.1).

ClinVar aggregate classification (germline): Uncertain significance (1 of 4 stars; one submission).

Conditions:
Inborn genetic diseases. Identifiers: MedGen C0950123, MeSH D030342.

Submission:

Ambry Genetics
Classification: Uncertain significance for Inborn genetic diseases. Last evaluated: 2025-08-05. Review status: criteria provided, single submitter. Criteria: Ambry Variant Classification Scheme 2023. Collection method: clinical testing. Allele origin: germline.
Comment: The p.S186A variant (also known as c.556T>G), located in coding exon 7 of the ASXL1 gene, results from a T to G substitution at nucleotide position 556. The serine at codon 186 is replaced by alanine, an amino acid with similar properties. This amino acid position is conserved. In addition, this alteration is predicted to be tolerated by in silico analysis. Based on the available evidence, the clinical significance of this variant remains unclear.